The following is an entry in ClinVar:

ClinVar aggregate classification (germline): Uncertain significance. Review status: criteria provided, multiple submitters, no conflicts (2 of 4 stars). 2 submissions from 2 submitters: Uncertain significance (2). Last evaluated 2023-06-25.

Conditions:
Bethlem myopathy 1A. Also called: Bethlem Muscular Dystrophy; Bethlem myopathy 1; MYOPATHY, BENIGN CONGENITAL, WITH CONTRACTURES. Identifiers: Orphanet 610, MedGen CN029274, MONDO:0024530, OMIM 158810.

Allele frequency attached by ClinVar (database versions not stated): gnomAD 0.00001; TOPMed 0.00002; gnomAD exomes below 0.00001.
gnomAD v4.1: 5 of 1,613,572 alleles (0.00031%); highest among the groups gnomAD compares: African/African-American, 0.0053%; no homozygotes.

Submissions (2):

Labcorp Genetics (formerly Invitae), Labcorp
Classification: Uncertain significance for Bethlem myopathy 1A. Last evaluated: 2023-06-25. Review status: criteria provided, single submitter. Criteria: Invitae Variant Classification Sherloc (09022015). Collection method: clinical testing. Allele origin: germline.
Comment: In summary, the available evidence is currently insufficient to determine the role of this variant in disease. Therefore, it has been classified as a Variant of Uncertain Significance. Advanced modeling of protein sequence and biophysical properties (such as structural, functional, and spatial information, amino acid conservation, physicochemical variation, residue mobility, and thermodynamic stability) has been performed at Invitae for this missense variant, however the output from this modeling did not meet the statistical confidence thresholds required to predict the impact of this variant on COL6A3 protein function. ClinVar contains an entry for this variant (Variation ID: 597251). This variant has not been reported in the literature in individuals affected with COL6A3-related conditions. This variant is present in population databases (no rsID available, gnomAD 0.007%). This sequence change replaces leucine, which is neutral and non-polar, with glutamine, which is neutral and polar, at codon 1400 of the COL6A3 protein (p.Leu1400Gln).

Eurofins Ntd Llc (ga)
Classification: Uncertain significance. Last evaluated: 2018-05-23. Review status: criteria provided, single submitter. Criteria: EGL ClinVar v180209 classification definitions. Collection method: clinical testing. Allele origin: germline. Observed: 1 variant allele, 1 heterozygote.

NM_004369.4(COL6A3):c.4199T>A (p.Leu1400Gln)

Gene: COL6A3 (collagen type VI alpha 3 chain; minus strand). Cytogenetic location: 2q37.3.
Variant type: single nucleotide variant.
Coding change: c.4199T>A on transcript NM_004369.4 (MANE Select); coding-DNA position 4199, T replaced by A.
Protein change: p.Leu1400Gln; replaces leucine 1400 with glutamine.
Molecular consequence: missense variant.
Genome position (GRCh38, 1-based): chr2:237,371,818, A>T on the plus strand (T>A on the coding strand, the complement: COL6A3 is on the minus strand). VCF-style: chr2-237371818-A-T. GRCh37 (hg19) VCF-style: chr2-238280461-A-T.
Other names: c.2978T>A, p.Leu993Gln (NM_057164.5); c.3581T>A, p.Leu1194Gln (NM_057165.5, NM_057167.4); c.2378T>A, p.Leu793Gln (NM_057166.5); short protein forms L1400Q, L1194Q, L793Q, L993Q.
Identifiers: ClinVar variation 597251 (VCV000597251.8), dbSNP rs1210132500, ClinGen allele CA351196557.
Genomic context (GRCh38, chr2:237,371,818, plus strand): 5'-AAGAGCTTCTGGATCTGCTCTGAGGTCAGGGTCGTGATGGGCGTCAGCAGTTTCTGCTCC[A>T]GGCTGGGCAGCTCCCGGAAGGTGCTCACCGAGAACACATATTCGGGGCTCAGCGAGATCT-3'
Protein context (NP_004360.2, residues 1390-1410): SVSTFRELPS[Leu1400Gln]EQKLLTPITT